The following is an entry in ClinVar:

NM_000138.5(FBN1):c.1556A>G (p.Tyr519Cys)

Gene: FBN1 (fibrillin 1; minus strand). Cytogenetic location: 15q21.1.
Variant type: single nucleotide variant.
Coding change: c.1556A>G on transcript NM_000138.5 (MANE Select); coding-DNA position 1556, A replaced by G.
Protein change: p.Tyr519Cys; replaces tyrosine 519 with cysteine.
Molecular consequence: missense variant.
Genome position (GRCh38, 1-based): chr15:48,513,581, T>C on the plus strand (A>G on the coding strand, the complement: FBN1 is on the minus strand). VCF-style: chr15-48513581-T-C. GRCh37 (hg19) VCF-style: chr15-48805778-T-C.
Other names: NM_000138.5(FBN1):c.1556A>G; p.Tyr519Cys; short protein forms Y519C.
Identifiers: ClinVar variation 549024 (VCV000549024.17), dbSNP rs1555400278, ClinGen allele CA392342185.

ClinVar aggregate classification (germline): Pathogenic. Review status: reviewed by expert panel (3 of 4 stars). 7 submissions from 7 submitters: Pathogenic (1). 6 of the submissions do not count toward it. Last evaluated 2023-11-16.

Conditions:
Familial thoracic aortic aneurysm and aortic dissection (TAAD). Also called: Thoracic aortic aneurysms and dissections. Identifiers: Orphanet 91387, MedGen C4707243, MONDO:0019625.
Marfan syndrome (MFS). Also called: Marfan syndrome type 1; Marfan syndrome, classic; Marfan's syndrome; FBN1-Related Marfan Syndrome; MARFAN SYNDROME, TYPE I. Identifiers: Orphanet 284963, Orphanet 558, MedGen C0024796, MONDO:0007947, OMIM 154700.
FBN1-related disorder. Also called: FBN1-related disorders.

Submissions (7):

ClinGen FBN1 Variant Curation Expert Panel, ClinGen
Classification: Pathogenic for Marfan syndrome. Last evaluated: 2023-11-16. Review status: reviewed by expert panel. Criteria: Assertion Criteria VCEP FBN1 Version 1. Collection method: curation. Allele origin: germline. Inheritance: Autosomal dominant inheritance.
Comment: The NM_00138 c.1556A>G, is a missense variant in FBN1 predicted to cause a substitution of a tyrosine by cysteine at amino acid 519 (p.Tyr519Cys). This variant was found in at least 7 probands with features consistent with or suggestive of Marfan syndrome including the following: one proband who met the original Ghent criteria with cardiovascular, skeletal, and skin involvement; The variant also segregates with features of Marfan syndrome in at least two affected family members (PP1; Invitae internal data). It is not present in gnomAD (PM2_supporting). This variant introduces a novel cysteine residue which may impede the normal formation of critical disulfide bridges (PM1). Computational prediction tools and conservation analysis suggest that this variant may impact the protein’s structure or function (PP3). The constraint z-score for missense variants affecting FBN1 is 5.06 (PP2). In summary, this variant meets criteria to be classified as pathogenic for Marfan syndrome based on the ACMG/AMP criteria applied, as specified by the ClinGen FBN1 VCEP: PS4, PM1, PS2_supporting, PM2_supporting, PP1, PP2, PP3.

Labcorp Genetics (formerly Invitae), Labcorp
Classification: Pathogenic for Marfan syndrome; Familial thoracic aortic aneurysm and aortic dissection. Last evaluated: 2024-02-17. Review status: criteria provided, single submitter. Criteria: Invitae Variant Classification Sherloc (09022015). Collection method: clinical testing. Allele origin: germline. Not counted in ClinVar's aggregate classification.
Comment: This sequence change replaces tyrosine, which is neutral and polar, with cysteine, which is neutral and slightly polar, at codon 519 of the FBN1 protein (p.Tyr519Cys). This variant is not present in population databases (gnomAD no frequency). This missense change has been observed in individual(s) with Marfan syndrome (PMID: 15241795; Invitae). In at least one individual the variant was observed to be de novo. ClinVar contains an entry for this variant (Variation ID: 549024). Advanced modeling of protein sequence and biophysical properties (such as structural, functional, and spatial information, amino acid conservation, physicochemical variation, residue mobility, and thermodynamic stability) performed at Invitae indicates that this missense variant is expected to disrupt FBN1 protein function with a positive predictive value of 95%. For these reasons, this variant has been classified as Pathogenic.

Victorian Clinical Genetics Services, Murdoch Childrens Research Institute
Classification: Pathogenic for Marfan syndrome. Last evaluated: 2022-03-31. Review status: criteria provided, single submitter. Criteria: ACMG Guidelines, 2015. Collection method: clinical testing. Allele origin: germline. Inheritance: Autosomal dominant inheritance. Not counted in ClinVar's aggregate classification.
Comment: Based on the classification scheme VCGS_Germline_v1.3.4, this variant is classified as Pathogenic. Following criteria are met: 0103 - Dominant negative and loss of function are known mechanisms of disease in this gene and are associated with FBN1-related disease. Variants predicted to result in nonsense mediated decay cause loss of function effects, and are more commonly associated with severe Marfan syndrome (MIM#154700). Missense variants with both dominant negative and loss of function effects on protein function, are associated with Marfan syndrome and ectopia lentis (MIM#129600) (OMIM, PMID: 29357934). The exact genotype-phenotype correlation for this gene is still unclear, and is compounded by variable expressivity (GeneReviews). (I) 0107 - This gene is predominantly associated with autosomal dominant disease while autosomal recessive forms of Marfan syndrome have been infrequently reported (PMID: 27274304; 31950671). 0115 - Variants in this gene are known to have variable expressivity. The genotype-phenotype correlations for this gene are unclear, with single variants reported in patients with a range of phenotypes (GeneReviews, OMIM). (I) 0200 - Variant is predicted to result in a missense amino acid change from tyrosine to cysteine. (I) 0251 - This variant is heterozygous. (I) 0301 - Variant is absent from gnomAD (both v2 and v3). (SP) 0501 - Missense variant consistently predicted to be damaging by multiple in silico tools and moderately conserved with a major amino acid change. (SP) 0601 - Variant is located in the well-established functional EGF domain. Additionally, the variant affects a critical residue within the EGF core (PMID: 31227806). (SP) 0705 - No comparable missense variants have previous evidence for pathogenicity. (I) 0802 - This variant has moderate previous evidence of pathogenicity in unrelated individuals. This variant has been identified in three individuals with Marfan syndrome and/or aortic dilatation, including one de novo individual (PMID: 15241795; Invitae - personal communication). It should also be noted that this variant has been classified as a VUS by another clinical diagnostic laboratory; however, no justification was provided for their classification (ClinVar). (SP) 0901 - This variant has strong evidence for segregation with disease. This variant has been shown to segregate with disease in the proband’s family. (SP) 1007 - No published functional evidence has been identified for this variant. (I) 1208 - Inheritance information for this variant is not currently available in this individual. (I) Legend: (SP) - Supporting pathogenic, (I) - Information, (SB) - Supporting benign

Centre of Medical Genetics, University Hospital Muenster
Classification: Uncertain significance for Marfan syndrome. Last evaluated: 2022-02-16. Review status: criteria provided, single submitter. Criteria: ACMG Guidelines, 2015. Collection method: clinical testing. Allele origin: unknown. Affected: yes. Observed: 1 variant allele, 1 heterozygote. Not counted in ClinVar's aggregate classification.
Comment: ACMG categories: PM2,PP3,BP1

Blueprint Genetics
Classification: Likely pathogenic for FBN1-related disorders. Last evaluated: 2021-02-22. Review status: criteria provided, single submitter. Criteria: ACMG Guidelines, 2015. Collection method: clinical testing. Allele origin: germline. Affected: yes. Observed: 1 variant allele. Not counted in ClinVar's aggregate classification.

Ambry Genetics
Classification: Likely pathogenic for Familial thoracic aortic aneurysm and aortic dissection. Last evaluated: 2018-12-19. Review status: criteria provided, single submitter. Criteria: Ambry Variant Classification Scheme 2023. Collection method: clinical testing. Allele origin: germline. Not counted in ClinVar's aggregate classification.
Comment: The p.Y519C variant (also known as c.1556A>G), located in coding exon 12 of the FBN1 gene, results from an A to G substitution at nucleotide position 1556. The tyrosine at codon 519 is replaced by cysteine, an amino acid with highly dissimilar properties, and is located in the cbEGF-like #03 domain. In one study, this variant was detected in an individual reported to have Marfan syndrome (Loeys B et al. Hum. Mutat. 2004 Aug;24(2):140-6). This amino acid position is highly conserved through mammals but not in all available vertebrate species. In addition, this alteration is predicted to be deleterious by in silico analysis. The majority of FBN1 mutations identified to date have involved the substitution or generation of cysteine residues within cbEGF domains (Vollbrandt T et al. J Biol Chem. 2004;279(31):32924-32931). Based on the majority of available evidence to date, this variant is likely to be pathogenic.

Center for Medical Genetics Ghent, University of Ghent
Classification: Uncertain significance for Marfan syndrome. Last evaluated: 2017-11-07. Review status: no assertion criteria provided. Collection method: clinical testing. Allele origin: germline. Affected: yes. Not counted in ClinVar's aggregate classification.

Literature cited by the submitters: PubMed 15241795 (cited by 3 submitters); PubMed 27274304 (cited by Victorian Clinical Genetics Services, Murdoch Childrens Research Institute); PubMed 29357934 (cited by Victorian Clinical Genetics Services, Murdoch Childrens Research Institute); PubMed 31227806 (cited by Victorian Clinical Genetics Services, Murdoch Childrens Research Institute); PubMed 31950671 (cited by Victorian Clinical Genetics Services, Murdoch Childrens Research Institute).